The following is an entry in ClinVar:

NM_001673.5(ASNS):c.598G>T (p.Glu200Ter)

Genes: ASNS (asparagine synthetase (glutamine-hydrolyzing); minus strand), CZ1P-ASNS (CZ1P-ASNS readthrough; minus strand). Cytogenetic location: 7q21.3.
Variant type: single nucleotide variant.
Coding change: c.598G>T on transcript NM_001673.5 (MANE Select); coding-DNA position 598, G replaced by T.
Protein change: p.Glu200Ter; replaces glutamic acid 200 with a stop codon.
Molecular consequence: nonsense. On other transcripts: non-coding transcript variant (1).
Genome position (GRCh38, 1-based): chr7:97,859,288, C>A on the plus strand (G>T on the coding strand, the complement: ASNS is on the minus strand). VCF-style: chr7-97859288-C-A. GRCh37 (hg19) VCF-style: chr7-97488600-C-A.
Other names: c.535G>T, p.Glu179Ter (NM_001178075.2); c.349G>T, p.Glu117Ter (NM_001178076.2, NM_001178077.1); c.598G>T, p.Glu200Ter (NM_001352496.2, NM_133436.3, NM_183356.4); short protein forms E179*, E117*, E200*.
Identifiers: ClinVar variation 2818884 (VCV002818884.3), dbSNP rs779172263, ClinGen allele CA163031051.
Genomic context (GRCh38, chr7:97,859,288, plus strand): 5'-CCACATTGTCATAGAGGGCGTGCAGGGGTACATCCCGACAGTGATGATATTTAACCATTT[C>A]CACGGATGCAACTTTGCCATTTGGCTTTAAATCCAAAACTTCATAGTGTCCAGGAAGAAA-3'

ClinVar aggregate classification (germline): Pathogenic (1 of 4 stars; one submission).

Allele frequency attached by ClinVar (database versions not stated): gnomAD exomes below 0.00001.
gnomAD v4.1: 1 of 1,614,156 alleles (0.000062%); highest among the groups gnomAD compares: Non-Finnish European, 0.000085%; no homozygotes.

Submission:

Labcorp Genetics (formerly Invitae), Labcorp
Classification: Pathogenic. Last evaluated: 2022-12-06. Review status: criteria provided, single submitter. Criteria: Invitae Variant Classification Sherloc (09022015). Collection method: clinical testing. Allele origin: germline.
Comment: For these reasons, this variant has been classified as Pathogenic. This variant has not been reported in the literature in individuals affected with ASNS-related conditions. This variant is not present in population databases (gnomAD no frequency). This sequence change creates a premature translational stop signal (p.Glu200*) in the ASNS gene. It is expected to result in an absent or disrupted protein product. Loss-of-function variants in ASNS are known to be pathogenic (PMID: 27422383, 30057589).

Literature cited by the submitters: PubMed 27422383; PubMed 30057589.